The following is an entry in ClinVar:

ClinVar aggregate classification (germline): Likely benign (1 of 4 stars; one submission).

Allele frequency attached by ClinVar (database versions not stated): gnomAD exomes below 0.00001.
gnomAD v4.1: 2 of 1,608,234 alleles (0.00012%); highest among the groups gnomAD compares: Non-Finnish European, 0.00017%; no homozygotes.

Submission:

Laboratory for Molecular Medicine, Mass General Brigham Personalized Medicine
Classification: Likely benign. Last evaluated: 2014-01-28. Review status: criteria provided, single submitter. Criteria: LMM Criteria. Collection method: clinical testing. Allele origin: germline. Observed: 1 variant allele.
Comment: 1105-10C>T in intron 11 of OTOA: This variant is not expected to have clinical s ignificance because it does not cause the splice site sequence to diverge from c onsensus.

NM_144672.4(OTOA):c.1105-10C>T

Gene: OTOA (otoancorin). Cytogenetic location: 16p12.2.
Variant type: single nucleotide variant.
Coding change: c.1105-10C>T on transcript NM_144672.4 (MANE Select); 10 bases into the intron before coding-DNA position 1105, C replaced by T.
Molecular consequence: intron variant.
Genome position (GRCh38, 1-based): chr16:21,709,878, C>T. VCF-style: chr16-21709878-C-T. GRCh37 (hg19) VCF-style: chr16-21721199-C-T.
Other names: c.868-10C>T (NM_001161683.2); c.133-10C>T (NM_170664.3).
Identifiers: ClinVar variation 164822 (VCV000164822.5), dbSNP rs727503349, ClinGen allele CA177529.
Genomic context (GRCh38, chr16:21,709,878, plus strand): 5'-CTGGATATGGTCAGAGGGAGCCACCGCCCTGCTTCCTGTCAACACTCATTCCAGTTTGCT[C>T]TCCTTCCAGCTCAAAGCAGAACTCCTGGACATTGCCATGGAGAACCAGACCCTCAATGAG-3'